The following is an entry in ClinVar:

NM_001323289.2(CDKL5):c.2546C>T (p.Ser849Leu)

Gene: CDKL5 (cyclin dependent kinase like 5; plus strand). Cytogenetic location: Xp22.13.
Variant type: single nucleotide variant.
Coding change: c.2546C>T on transcript NM_001323289.2 (MANE Select); coding-DNA position 2546, C replaced by T.
Protein change: p.Ser849Leu; replaces serine 849 with leucine.
Molecular consequence: missense variant.
Genome position (GRCh38, 1-based): chrX:18,628,420, C>T. VCF-style: chrX-18628420-C-T. GRCh37 (hg19) VCF-style: chrX-18646540-C-T.
Other names: NM_001323289.2(CDKL5):c.2546C>T; p.Ser849Leu; c.2546C>T, p.Ser849Leu (NM_001037343.2, NM_003159.3); short protein forms S849L.
Identifiers: ClinVar variation 422765 (VCV000422765.14), dbSNP rs1064795982, ClinGen allele CA16621285.

ClinVar aggregate classification (germline): Benign. Review status: reviewed by expert panel (3 of 4 stars). 4 submissions from 4 submitters: Benign (1). 3 of the submissions do not count toward it. Last evaluated 2023-02-20.

Conditions:
CDKL5 disorder. Identifiers: MedGen CN296942, MONDO:0100039.
Inborn genetic diseases. Identifiers: MedGen C0950123, MeSH D030342.
Developmental and epileptic encephalopathy, 2 (DEE2). Also called: INFANTILE SPASM SYNDROME, X-LINKED 2; CDKL5 deficiency disorder. Identifiers: Orphanet 1934, Orphanet 3451, Orphanet 505652, MedGen C4750718, MONDO:0010396, OMIM 300672.
Angelman syndrome-like. Identifiers: MedGen CN128785.

Allele frequency attached by ClinVar (database versions not stated): gnomAD exomes below 0.00001; TOPMed 0.00002; gnomAD 0.00003.
gnomAD v4.1: 8 of 1,210,144 alleles (0.00066%); highest among the groups gnomAD compares: Non-Finnish European, 0.00089%; no homozygotes.

Submissions (4):

ClinGen Rett and Angelman-like Disorders Variant Curation Expert Panel
Classification: Benign for CDKL5 disorder. Last evaluated: 2023-02-20. Review status: reviewed by expert panel. Criteria: ClinGen RettAS ACMG Specifications V2. Collection method: curation. Allele origin: germline. Inheritance: X-linked inheritance.
Comment: The allele frequency of the p.Ser849Leu variant in CDKL5 is 0.009217% in European (non-Finnish) sub population in gnomAD, which is high enough to meet the BS1 criteria based on thresholds defined by the ClinGen Rett/Angelman-like Expert Panel for Rett/AS-like conditions (BS1). The p.Ser849Leu variant is observed in at least 2 unaffected individuals (internal database-GeneDX) (BS2). In summary, the p.Ser849Leu variant in CDKL5 is classified as Benign based on the ACMG/AMP criteria (BS1, BS2).

Ambry Genetics
Classification: Uncertain significance for Inborn genetic diseases. Last evaluated: 2025-06-18. Review status: criteria provided, single submitter. Criteria: Ambry Variant Classification Scheme 2023. Collection method: clinical testing. Allele origin: germline. Not counted in ClinVar's aggregate classification.

Labcorp Genetics (formerly Invitae), Labcorp
Classification: Likely benign for Developmental and epileptic encephalopathy, 2; Angelman syndrome-like. Last evaluated: 2025-04-29. Review status: criteria provided, single submitter. Criteria: Invitae Variant Classification Sherloc (09022015). Collection method: clinical testing. Allele origin: germline. Not counted in ClinVar's aggregate classification.

GeneDx
Classification: Likely benign. Last evaluated: 2019-07-02. Review status: criteria provided, single submitter. Criteria: GeneDx Variant Classification Process June 2021. Collection method: clinical testing. Allele origin: germline. Affected: yes. Not counted in ClinVar's aggregate classification.
Comment: Missense variant in a gene in which most reported pathogenic variants are truncating/loss-of-function; In silico analysis, which includes protein predictors and evolutionary conservation, supports that this variant does not alter protein structure/function